The following is an entry in ClinVar:

ClinVar aggregate classification (germline): Likely benign (1 of 4 stars; one submission).

gnomAD v4.1: 58 of 1,613,938 alleles (0.0036%); highest among the groups gnomAD compares: Non-Finnish European, 0.0047%; 1 homozygote.

Submission:

CeGaT Center for Human Genetics Tuebingen
Classification: Likely benign. Last evaluated: 2025-08-01. Review status: criteria provided, single submitter. Criteria: CeGaT Center For Human Genetics Tuebingen Variant Classification Criteria Version 2. Collection method: clinical testing. Allele origin: germline. Affected: yes. Observed: 1 variant allele.
Comment: DOCK3: BP4, BP7

NM_004947.5(DOCK3):c.1602T>C (p.Asp534=)

Gene: DOCK3 (dedicator of cytokinesis 3; plus strand). Cytogenetic location: 3p21.2.
Variant type: single nucleotide variant.
Coding change: c.1602T>C on transcript NM_004947.5 (MANE Select); coding-DNA position 1602, T replaced by C.
Protein change: p.Asp534=; no amino-acid change (aspartic acid 534 retained).
Molecular consequence: synonymous variant.
Genome position (GRCh38, 1-based): chr3:51,228,043, T>C. VCF-style: chr3-51228043-T-C. GRCh37 (hg19) VCF-style: chr3-51265474-T-C.
Identifiers: ClinVar variation 4084272 (VCV004084272.8).
Genomic context (GRCh38, chr3:51,228,043, plus strand): 5'-AAAGGACAAAGGGGAAAAGAAACTCTTTGGCTTTGCATTCTCAACCCTGATGCGTGATGA[T>C]GGCACCACCCTCTCAGATGATATTCACGAGCTTTATGTGTACAAGGTATGAAGCCTAGCT-3'
Protein context (NP_004938.1, residues 524-544): GFAFSTLMRD[Asp534=]GTTLSDDIHE